The following is an entry in ClinVar:

NM_000548.5(TSC2):c.5210C>T (p.Pro1737Leu)

Gene: TSC2 (TSC complex subunit 2; plus strand). Cytogenetic location: 16p13.3.
Variant type: single nucleotide variant.
Coding change: c.5210C>T on transcript NM_000548.5 (MANE Select); coding-DNA position 5210, C replaced by T.
Protein change: p.Pro1737Leu; replaces proline 1737 with leucine.
Molecular consequence: missense variant.
Genome position (GRCh38, 1-based): chr16:2,088,276, C>T. VCF-style: chr16-2088276-C-T. GRCh37 (hg19) VCF-style: chr16-2138277-C-T.
Other names: c.5009C>T, p.Pro1670Leu (NM_001077183.3); c.5141C>T, p.Pro1714Leu (NM_001114382.3); c.4901C>T, p.Pro1634Leu (NM_001318827.2); c.4865C>T, p.Pro1622Leu (NM_001318829.2); c.4478C>T, p.Pro1493Leu (NM_001318831.2); c.5042C>T, p.Pro1681Leu (NM_001318832.2); c.5012C>T, p.Pro1671Leu (NM_001363528.2); c.5078C>T, p.Pro1693Leu (NM_001370404.1); and 2 more; short protein forms P1737L, P1493L, P1634L, P1693L, P1694L, P1671L, P1681L, P1690L.
Identifiers: ClinVar variation 406050 (VCV000406050.49), dbSNP rs749326176, ClinGen allele CA054450.

ClinVar aggregate classification (germline): Conflicting classifications of pathogenicity. Review status: criteria provided, conflicting classifications (1 of 4 stars). 11 submissions from 11 submitters: Likely pathogenic (1); Uncertain significance (6); Likely benign (4). Last evaluated 2026-10-01.

Conditions:
Hereditary cancer-predisposing syndrome. Also called: Hereditary neoplastic syndrome; Neoplastic Syndromes, Hereditary; Hereditary Cancer Syndrome; Tumor predisposition. Identifiers: Orphanet 140162, MedGen C0027672, MeSH D009386, MONDO:0015356.
Tuberous sclerosis syndrome (TSC). Also called: Tuberous Sclerosis Complex; Tuberous sclerosis. Identifiers: Orphanet 805, MedGen C0041341, MONDO:0001734.
Tuberous sclerosis 2 (TSC2). Identifiers: Orphanet 805, MedGen C1860707, MONDO:0013199, OMIM 613254.
Isolated focal cortical dysplasia type II (FCORD2). Also called: Focal cortical dysplasia type II; CORTICAL DYSPLASIA OF TAYLOR. Identifiers: Orphanet 268994, MedGen C1846385, MONDO:0011818, OMIM 607341, HP:0032051.
Lymphangiomyomatosis (LAM). Also called: Lymphangioleiomyomatosis, somatic; Lymphangioleiomyomatosis. Identifiers: Orphanet 538, MedGen C0751674, MONDO:0011705, OMIM 606690.

Allele frequency attached by ClinVar (database versions not stated): ExAC 0.00001; gnomAD exomes 0.00001; gnomAD 0.00004; TOPMed 0.00004.
gnomAD v4.1: 21 of 1,612,928 alleles (0.0013%); highest among the groups gnomAD compares: Admixed American, 0.0083%; no homozygotes.

Submissions (11):

St. Jude Molecular Pathology, St. Jude Children's Research Hospital
Classification: Uncertain significance for Tuberous sclerosis 2. Last evaluated: 2026-10-01. Review status: criteria provided, single submitter. Criteria: St. Jude Assertion Criteria 2020. Collection method: clinical testing. Allele origin: germline.
Comment: The TSC2 c.5210C>T p.(Pro1737Leu) missense change has a maximum subpopulation frequency of 0.004% in gnomAD v2.1.1. The in silico tool REVEL predicts a deleterious effect on protein function, but to our knowledge this prediction has not been confirmed by functional studies. This variant has been reported in an individual with tuberous sclerosis complex who also harbored a TSC1 c.363+1G>T variant (PMID: 36232477). In summary, the evidence currently available is insufficient to determine the clinical significance of this variant. It has therefore been classified as of uncertain significance.

Labcorp Genetics (formerly Invitae), Labcorp
Classification: Likely benign for Tuberous sclerosis 2. Last evaluated: 2025-12-01. Review status: criteria provided, single submitter. Criteria: Invitae Variant Classification Sherloc (09022015). Collection method: clinical testing. Allele origin: germline.

Ambry Genetics
Classification: Likely benign for Hereditary cancer-predisposing syndrome. Last evaluated: 2025-08-04. Review status: criteria provided, single submitter. Criteria: Ambry Variant Classification Scheme 2023. Collection method: clinical testing. Allele origin: germline.

Quest Diagnostics Nichols Institute San Juan Capistrano
Classification: Uncertain significance. Last evaluated: 2025-01-13. Review status: criteria provided, single submitter. Criteria: Quest Diagnostics criteria. Collection method: clinical testing. Allele origin: unknown.

Color Diagnostics, LLC DBA Color Health
Classification: Uncertain significance for Tuberous sclerosis syndrome. Last evaluated: 2024-05-23. Review status: criteria provided, single submitter. Criteria: ACMG Guidelines, 2015. Collection method: clinical testing. Allele origin: germline.
Comment: This missense variant replaces proline with leucine at codon 1737 of the TSC2 protein. Computational prediction suggests that this variant may have deleterious impact on protein structure and function. To our knowledge, functional studies have not been reported for this variant. This variant has been reported in an individual affected with tuberous sclerosis complex together with TSC1 c.363+2G>T (PMID: 36232477). This variant has been identified in 4/281944 chromosomes in the general population by the Genome Aggregation Database (gnomAD). The available evidence is insufficient to determine the role of this variant in disease conclusively. Therefore, this variant is classified as a Variant of Uncertain Significance.

Fulgent Genetics
Classification: Likely benign for Lymphangiomyomatosis; Isolated focal cortical dysplasia type II; Tuberous sclerosis 2. Last evaluated: 2024-02-14. Review status: criteria provided, single submitter. Criteria: ACMG Guidelines, 2015. Collection method: clinical testing. Allele origin: germline.

Blueprint Genetics
Classification: Uncertain significance. Last evaluated: 2023-03-28. Review status: criteria provided, single submitter. Criteria: ACMG Guidelines, 2015. Collection method: clinical testing. Allele origin: germline.

Division of Genomic Medicine, Department of Advanced Medicine, Medical Research Institute, Kanazawa Medical University
Classification: Likely pathogenic for Tuberous sclerosis 2. Last evaluated: 2022-07-19. Review status: criteria provided, single submitter. Criteria: ACMG Guidelines, 2015. Collection method: clinical testing. Allele origin: germline. Affected: yes. Observed: 1 variant allele.
Comment: According to ACMG GL 2015, this variant located in the GAP domain (PM1), assumed de novo (PM6), multiple lines of computational evidence support a deleterious effect (PP3), and detected in the patient with clinically definitive tuberous sclerosis complex (PP4).

CeGaT Center for Human Genetics Tuebingen
Classification: Uncertain significance. Last evaluated: 2022-07-01. Review status: criteria provided, single submitter. Criteria: CeGaT Center For Human Genetics Tuebingen Variant Classification Criteria Version 2. Collection method: clinical testing. Allele origin: germline. Affected: yes. Observed: 1 variant allele.

Genome-Nilou Lab
Classification: Likely benign for Tuberous sclerosis 2. Last evaluated: 2021-11-07. Review status: criteria provided, single submitter. Criteria: ACMG Guidelines, 2015. Collection method: clinical testing. Allele origin: germline. Affected: no.

GeneDx
Classification: Uncertain significance. Last evaluated: 2020-12-18. Review status: criteria provided, single submitter. Criteria: GeneDx Variant Classification Process June 2021. Collection method: clinical testing. Allele origin: germline. Affected: yes.
Comment: In silico analysis supports that this missense variant has a deleterious effect on protein structure/function; Has not been previously published as pathogenic or benign to our knowledge

Literature cited by the submitters: PubMed 36232477 (cited by Ambry Genetics and Color Diagnostics, LLC DBA Color Health).